The following is an entry in ClinVar:

NM_000455.5(STK11):c.183C>T (p.Gly61=)

Gene: STK11 (serine/threonine kinase 11; plus strand). Cytogenetic location: 19p13.3.
Variant type: single nucleotide variant.
Coding change: c.183C>T on transcript NM_000455.5 (MANE Select); coding-DNA position 183, C replaced by T.
Protein change: p.Gly61=; no amino-acid change (glycine 61 retained).
Molecular consequence: synonymous variant. On other transcripts: non-coding transcript variant (1).
Genome position (GRCh38, 1-based): chr19:1,207,096, C>T. VCF-style: chr19-1207096-C-T. GRCh37 (hg19) VCF-style: chr19-1207095-C-T.
Other names: c.183C>T, p.Gly61= (NM_001407255.1).
Identifiers: ClinVar variation 1951254 (VCV001951254.8), dbSNP rs2512921322, ClinGen allele CA504706288.

ClinVar aggregate classification (germline): Benign/Likely benign. Review status: criteria provided, multiple submitters, no conflicts (2 of 4 stars). 3 submissions from 3 submitters: Benign (1); Likely benign (2). Last evaluated 2025-03-25.

Conditions:
Peutz-Jeghers syndrome (PJS). Also called: POLYPOSIS, HAMARTOMATOUS INTESTINAL; POLYPS-AND-SPOTS SYNDROME; Peutz-Jeghers polyposis; Periorificial lentiginosis syndrome. Identifiers: Orphanet 2869, MedGen C0031269, MeSH D010580, MONDO:0008280, OMIM 175200.
Hereditary cancer-predisposing syndrome. Also called: Tumor predisposition; Hereditary neoplastic syndrome; Hereditary Cancer Syndrome; Neoplastic Syndromes, Hereditary. Identifiers: Orphanet 140162, MedGen C0027672, MeSH D009386, MONDO:0015356.

Allele frequency attached by ClinVar (database versions not stated): gnomAD exomes below 0.00001.
gnomAD v4.1: 1 of 1,613,932 alleles (0.000062%); highest among the groups gnomAD compares: Non-Finnish European, 0.000085%; no homozygotes.

Submissions (3):

Myriad Genetics, Inc.
Classification: Benign for Peutz-Jeghers syndrome. Last evaluated: 2025-03-25. Review status: criteria provided, single submitter. Criteria: Myriad Autosomal Dominant, Autosomal Recessive and X-Linked Classification Criteria (2023). Collection method: clinical testing. Allele origin: unknown.
Comment: This variant is considered benign. This variant is a silent/synonymous amino acid change and it is not expected to impact splicing.

Ambry Genetics
Classification: Likely benign for Hereditary cancer-predisposing syndrome. Last evaluated: 2023-06-01. Review status: criteria provided, single submitter. Criteria: Ambry Variant Classification Scheme 2023. Collection method: clinical testing. Allele origin: germline.

Labcorp Genetics (formerly Invitae), Labcorp
Classification: Likely benign for Peutz-Jeghers syndrome. Last evaluated: 2022-09-06. Review status: criteria provided, single submitter. Criteria: Invitae Variant Classification Sherloc (09022015). Collection method: clinical testing. Allele origin: germline.